The following is an entry in ClinVar:

ClinVar aggregate classification (germline): Likely benign. Review status: criteria provided, multiple submitters, no conflicts (2 of 4 stars). 3 submissions from 3 submitters: Likely benign (3). Last evaluated 2026-06-24.

Conditions:
Inborn genetic diseases. Identifiers: MedGen C0950123, MeSH D030342.
DYNC1H1-related disorder. Also called: DYNC1H1-related condition; DYNC1H1-related disorders. Identifiers: MedGen CN381529.
Charcot-Marie-Tooth disease axonal type 2O. Also called: CHARCOT-MARIE-TOOTH NEUROPATHY, AXONAL, TYPE 2O; CHARCOT-MARIE-TOOTH DISEASE, AXONAL, AUTOSOMAL DOMINANT, TYPE 2O; Charcot-Marie-Tooth disease, axonal, type 20; Charcot-Marie-Tooth Neuropathy Type 2O. Identifiers: Orphanet 284232, MedGen C3280220, MONDO:0013644, OMIM 614228.

Allele frequency attached by ClinVar (database versions not stated): ExAC 0.00002.
gnomAD v4.1: 26 of 1,600,418 alleles (0.0016%); highest among the groups gnomAD compares: Non-Finnish European, 0.002%; no homozygotes.

Submissions (3):

PreventionGenetics, part of Exact Sciences
Classification: Likely benign for DYNC1H1-related condition. Last evaluated: 2026-06-24. Review status: criteria provided, single submitter. Criteria: ACMG Guidelines, 2015. Collection method: clinical testing. Allele origin: germline.
Comment: This variant is classified as likely benign based on ACMG/AMP sequence variant interpretation guidelines (Richards et al. 2015 PMID: 25741868, with internal and published modifications).

Labcorp Genetics (formerly Invitae), Labcorp
Classification: Likely benign for Charcot-Marie-Tooth disease axonal type 2O. Last evaluated: 2024-05-23. Review status: criteria provided, single submitter. Criteria: Invitae Variant Classification Sherloc (09022015). Collection method: clinical testing. Allele origin: germline.

Ambry Genetics
Classification: Likely benign for Inborn genetic diseases. Last evaluated: 2019-07-11. Review status: criteria provided, single submitter. Criteria: Ambry Variant Classification Scheme 2023. Collection method: clinical testing. Allele origin: germline.

NM_001376.5(DYNC1H1):c.213C>T (p.Asp71=)

Gene: DYNC1H1 (dynein cytoplasmic 1 heavy chain 1; plus strand). Cytogenetic location: 14q32.31.
Variant type: single nucleotide variant.
Coding change: c.213C>T on transcript NM_001376.5 (MANE Select); coding-DNA position 213, C replaced by T.
Protein change: p.Asp71=; no amino-acid change (aspartic acid 71 retained).
Molecular consequence: synonymous variant.
Genome position (GRCh38, 1-based): chr14:101,964,904, C>T. VCF-style: chr14-101964904-C-T. GRCh37 (hg19) VCF-style: chr14-102431241-C-T.
Identifiers: ClinVar variation 539826 (VCV000539826.13), dbSNP rs763561186, ClinGen allele CA7351464.